The following is an entry in ClinVar:

NM_006015.6(ARID1A):c.4123G>A (p.Gly1375Ser)

Gene: ARID1A (AT-rich interaction domain 1A; plus strand). Cytogenetic location: 1p36.11.
Variant type: single nucleotide variant.
Coding change: c.4123G>A on transcript NM_006015.6 (MANE Select); coding-DNA position 4123, G replaced by A.
Protein change: p.Gly1375Ser; replaces glycine 1375 with serine.
Molecular consequence: missense variant. On other transcripts: intron variant (1).
Genome position (GRCh38, 1-based): chr1:26,774,350, G>A. VCF-style: chr1-26774350-G-A. GRCh37 (hg19) VCF-style: chr1-27100841-G-A.
Other names: c.4101+452G>A (NM_139135.4); short protein forms G1375S.
Identifiers: ClinVar variation 1338015 (VCV001338015.7), dbSNP rs2124117067, ClinGen allele CA339172774.

ClinVar aggregate classification (germline): Uncertain significance. Review status: criteria provided, multiple submitters, no conflicts (2 of 4 stars). 2 submissions from 2 submitters: Uncertain significance (2). Last evaluated 2023-02-08.

Allele frequency attached by ClinVar (database versions not stated): gnomAD exomes 0.00001.
gnomAD v4.1: 20 of 1,548,018 alleles (0.0013%); highest among the groups gnomAD compares: Non-Finnish European, 0.0017%; no homozygotes.

Submissions (2):

Labcorp Genetics (formerly Invitae), Labcorp
Classification: Uncertain significance. Last evaluated: 2023-02-08. Review status: criteria provided, single submitter. Criteria: Invitae Variant Classification Sherloc (09022015). Collection method: clinical testing. Allele origin: germline.
Comment: This sequence change replaces glycine, which is neutral and non-polar, with serine, which is neutral and polar, at codon 1375 of the ARID1A protein (p.Gly1375Ser). In summary, the available evidence is currently insufficient to determine the role of this variant in disease. Therefore, it has been classified as a Variant of Uncertain Significance. Advanced modeling of protein sequence and biophysical properties (such as structural, functional, and spatial information, amino acid conservation, physicochemical variation, residue mobility, and thermodynamic stability) performed at Invitae indicates that this missense variant is not expected to disrupt ARID1A protein function. ClinVar contains an entry for this variant (Variation ID: 1338015). This variant has not been reported in the literature in individuals affected with ARID1A-related conditions. This variant is not present in population databases (gnomAD no frequency).

Genetic Services Laboratory, University of Chicago
Classification: Uncertain significance. Last evaluated: 2021-07-12. Review status: criteria provided, single submitter. Criteria: ACMG Guidelines, 2015. Collection method: clinical testing. Allele origin: germline. Affected: no.
Comment: DNA sequence analysis of the ARID1A gene demonstrated a sequence change, c.4123G>A, in exon 18 that results in an amino acid change, p.Gly1375Ser. This sequence change has not been described in population databases including gnomAD. The p.Gly1375Ser change affects a highly conserved amino acid residue located in a domain of the ARID1A protein that is not known to be functional. In-silico pathogenicity prediction tools (SIFT, PolyPhen2, Align GVGD, REVEL) provide contradictory results for the p.Gly1375Ser substitution. This sequence change does not appear to have been previously described in individuals with ARID1A-related disorders. Due to insufficient evidences and the lack of functional studies, the clinical significance of the p.Gly1375Ser change remains unknown at this time.